The following is an entry in ClinVar:

ClinVar aggregate classification (germline): Pathogenic (1 of 4 stars; one submission).

Conditions:
Charcot-Marie-Tooth disease type 2. Also called: Charcot-Marie-Tooth type 2. Identifiers: Orphanet 64746, MedGen C0270914, MONDO:0018993.

Submission:

Labcorp Genetics (formerly Invitae), Labcorp
Classification: Pathogenic for Charcot-Marie-Tooth disease type 2. Last evaluated: 2020-02-19. Review status: criteria provided, single submitter. Criteria: Invitae Variant Classification Sherloc (09022015). Collection method: clinical testing. Allele origin: germline.
Comment: For these reasons, this variant has been classified as Pathogenic. Loss-of-function variants in LMNA are known to be pathogenic (PMID: 18585512, 18926329). This variant has not been reported in the literature in individuals with LMNA-related conditions. This variant is not present in population databases (ExAC no frequency). This sequence change creates a premature translational stop signal (p.Lys418Serfs*62) in the LMNA gene. It is expected to result in an absent or disrupted protein product.

Literature cited by the submitters: PubMed 18585512; PubMed 18926329.

NM_170707.4(LMNA):c.1253del (p.Lys418fs)

Gene: LMNA (lamin A/C; plus strand). Cytogenetic location: 1q22.
Variant type: Deletion.
Coding change: c.1253del on transcript NM_170707.4 (MANE Select); coding-DNA position 1253, one base deleted (A; older notation c.1253delA).
Protein change: p.Lys418fs; shifts the reading frame from lysine 418.
Molecular consequence: frameshift variant.
Genome position (GRCh38, 1-based): chr1:156,136,309, A deleted; the last of 5 consecutive A bases (chr1:156,136,305-156,136,309); deleting any one gives the same sequence. VCF-style (leftmost placement, unchanged base first): chr1-156136304-CA-C. GRCh37 (hg19) VCF-style: chr1-156106095-CA-C.
Other names: c.917del, p.Lys306fs (NM_001257374.3); c.1010del, p.Lys337fs (NM_001282624.2); c.1253del, p.Lys418fs (NM_001282625.2, NM_001282626.2, NM_005572.4 and 1 more transcripts); short protein forms K306fs, K337fs, K418fs.
Identifiers: ClinVar variation 1068933 (VCV001068933.7), dbSNP rs2102890245, ClinGen allele CA2499214217.